The following is an entry in ClinVar:

ClinVar aggregate classification (germline): Uncertain significance (1 of 4 stars; one submission).

Submission:

Labcorp Genetics (formerly Invitae), Labcorp
Classification: Uncertain significance. Last evaluated: 2022-09-07. Review status: criteria provided, single submitter. Criteria: Invitae Variant Classification Sherloc (09022015). Collection method: clinical testing. Allele origin: germline.
Comment: This sequence change replaces proline, which is neutral and non-polar, with serine, which is neutral and polar, at codon 65 of the ARID1A protein (p.Pro65Ser). This variant is not present in population databases (gnomAD no frequency). This variant has not been reported in the literature in individuals affected with ARID1A-related conditions. Advanced modeling of protein sequence and biophysical properties (such as structural, functional, and spatial information, amino acid conservation, physicochemical variation, residue mobility, and thermodynamic stability) performed at Invitae indicates that this missense variant is not expected to disrupt ARID1A protein function. In summary, the available evidence is currently insufficient to determine the role of this variant in disease. Therefore, it has been classified as a Variant of Uncertain Significance.

NM_006015.6(ARID1A):c.193C>T (p.Pro65Ser)

Gene: ARID1A (AT-rich interaction domain 1A; plus strand). Cytogenetic location: 1p36.11.
Variant type: single nucleotide variant.
Coding change: c.193C>T on transcript NM_006015.6 (MANE Select); coding-DNA position 193, C replaced by T.
Protein change: p.Pro65Ser; replaces proline 65 with serine.
Molecular consequence: missense variant.
Genome position (GRCh38, 1-based): chr1:26,696,596, C>T. VCF-style: chr1-26696596-C-T. GRCh37 (hg19) VCF-style: chr1-27023087-C-T.
Other names: c.193C>T, p.Pro65Ser (NM_139135.4); short protein forms P65S.
Identifiers: ClinVar variation 1999026 (VCV001999026.4), dbSNP rs1429977258, ClinGen allele CA339264596.